The following is an entry in ClinVar:

NM_006506.5(RASA2):c.1079C>G (p.Ala360Gly)

Gene: RASA2 (RAS p21 protein activator 2; plus strand). Cytogenetic location: 3q23.
Variant type: single nucleotide variant.
Coding change: c.1079C>G on transcript NM_006506.5 (MANE Select); coding-DNA position 1079, C replaced by G.
Protein change: p.Ala360Gly; replaces alanine 360 with glycine.
Molecular consequence: missense variant.
Genome position (GRCh38, 1-based): chr3:141,571,464, C>G. VCF-style: chr3-141571464-C-G. GRCh37 (hg19) VCF-style: chr3-141290306-C-G.
Other names: c.1079C>G, p.Ala360Gly (NM_001303245.3, NM_001303246.3); short protein forms A360G.
Identifiers: ClinVar variation 1330431 (VCV001330431.13), dbSNP rs369032376, ClinGen allele CA2645416.

ClinVar aggregate classification (germline): Uncertain significance. Review status: criteria provided, multiple submitters, no conflicts (2 of 4 stars). 3 submissions from 3 submitters: Uncertain significance (3). Last evaluated 2025-11-10.

Allele frequency attached by ClinVar (database versions not stated): ExAC 0.00001; gnomAD exomes 0.00002; ESP Exome Variant Server 0.00008; gnomAD 0.00011 and 0.00014; TOPMed 0.00013.
gnomAD v4.1: 32 of 1,613,370 alleles (0.002%); highest among the groups gnomAD compares: African/African-American, 0.04%; no homozygotes.

Submissions (3):

Labcorp Genetics (formerly Invitae), Labcorp
Classification: Uncertain significance. Last evaluated: 2025-11-10. Review status: criteria provided, single submitter. Criteria: Invitae Variant Classification Sherloc (09022015). Collection method: clinical testing. Allele origin: germline.
Comment: This sequence change replaces alanine, which is neutral and non-polar, with glycine, which is neutral and non-polar, at codon 360 of the RASA2 protein (p.Ala360Gly). This variant is present in population databases (rs369032376, gnomAD 0.04%). This variant has not been reported in the literature in individuals affected with RASA2-related conditions. ClinVar contains an entry for this variant (Variation ID: 1330431). Invitae Evidence Modeling of protein sequence and biophysical properties (such as structural, functional, and spatial information, amino acid conservation, physicochemical variation, residue mobility, and thermodynamic stability) indicates that this missense variant is expected to disrupt RASA2 protein function with a positive predictive value of 80%. In summary, the available evidence is currently insufficient to determine the role of this variant in disease. Therefore, it has been classified as a Variant of Uncertain Significance.

Ambry Genetics
Classification: Uncertain significance. Last evaluated: 2023-07-27. Review status: criteria provided, single submitter. Criteria: Ambry Variant Classification Scheme 2023. Collection method: clinical testing. Allele origin: germline.
Comment: The p.A360G variant (also known as c.1079C>G), located in coding exon 11 of the RASA2 gene, results from a C to G substitution at nucleotide position 1079. The alanine at codon 360 is replaced by glycine, an amino acid with similar properties. This amino acid position is conserved. In addition, this alteration is predicted to be tolerated by in silico analysis. Since supporting evidence is limited at this time, the clinical significance of this alteration remains unclear.

ARUP Laboratories, Molecular Genetics and Genomics, ARUP Laboratories
Classification: Uncertain significance. Last evaluated: 2021-04-09. Review status: criteria provided, single submitter. Criteria: ARUP Molecular Germline Variant Investigation Process 2021. Collection method: clinical testing. Allele origin: germline.
Comment: The RASA2 c.1079C>G; p.Ala360Gly variant (rs369032376), to our knowledge, is not reported in the medical literature or gene-specific databases. This variant is found in the African population with an overall allele frequency of 0.04% (9/24940 alleles) in the Genome Aggregation Database. The alanine at codon 360 is moderately conserved, and computational analyses are uncertain whether this variant is neutral or deleterious (REVEL: 0.151). Due to limited information, the clinical significance of the p.Ala360Gly variant is uncertain at this time.